The following is an entry in ClinVar:

ClinVar aggregate classification (germline): Uncertain significance (1 of 4 stars; one submission).

Conditions:
IFT172-related disorder. Also called: IFT172-related condition; IFT172-related disorders.

Submission:

PreventionGenetics, part of Exact Sciences
Classification: Uncertain significance for IFT172-related condition. Last evaluated: 2025-11-18. Review status: criteria provided, single submitter. Criteria: ACMG Guidelines, 2015. Collection method: clinical testing. Allele origin: germline.
Comment: The IFT172 c.4753A>G variant is predicted to result in the amino acid substitution p.Lys1585Glu. To our knowledge, this variant has not been reported in the literature or in a large population database (gnomAD), indicating this variant is rare. At this time, the clinical significance of this variant is uncertain due to the absence of conclusive functional and genetic evidence.

NM_015662.3(IFT172):c.4753A>G (p.Lys1585Glu)

Genes: IFT172 (intraflagellar transport 172; minus strand), KRTCAP3 (keratinocyte associated protein 3; plus strand). Cytogenetic location: 2p23.3.
Variant type: single nucleotide variant.
Coding change: c.4753A>G on transcript NM_015662.3 (MANE Select); coding-DNA position 4753, A replaced by G.
Protein change: p.Lys1585Glu; replaces lysine 1585 with glutamic acid.
Molecular consequence: missense variant. On other transcripts: intron variant (1).
Genome position (GRCh38, 1-based): chr2:27,446,262, T>C on the plus strand (A>G on the coding strand, the complement: IFT172 is on the minus strand). VCF-style: chr2-27446262-T-C. GRCh37 (hg19) VCF-style: chr2-27669129-T-C.
Other names: c.4687A>G, p.Lys1563Glu (NM_001410739.1); c.*6-39T>C (NM_001168364.2); short protein forms K1585E, K1563E.
Identifiers: ClinVar variation 4989012 (VCV004989012.1).